The following is an entry in ClinVar:

ClinVar aggregate classification (germline): Uncertain significance (1 of 4 stars; one submission).

Allele frequency attached by ClinVar (database versions not stated): gnomAD 0.00001; gnomAD exomes 0.00001; ExAC 0.00002; TOPMed 0.00003.

Submission:

Labcorp Genetics (formerly Invitae), Labcorp
Classification: Uncertain significance. Last evaluated: 2023-08-23. Review status: criteria provided, single submitter. Criteria: Invitae Variant Classification Sherloc (09022015). Collection method: clinical testing. Allele origin: germline.
Comment: In summary, the available evidence is currently insufficient to determine the role of this variant in disease. Therefore, it has been classified as a Variant of Uncertain Significance. An algorithm developed to predict the effect of missense changes on protein structure and function (PolyPhen-2) suggests that this variant is likely to be disruptive. This sequence change replaces alanine, which is neutral and non-polar, with valine, which is neutral and non-polar, at codon 110 of the DSCAML1 protein (p.Ala110Val). The frequency data for this variant in the population databases is considered unreliable, as metrics indicate poor data quality at this position in the gnomAD database. This variant has not been reported in the literature in individuals affected with DSCAML1-related conditions.

NM_020693.4(DSCAML1):c.149C>T (p.Ala50Val)

Gene: DSCAML1 (DS cell adhesion molecule like 1; minus strand). Cytogenetic location: 11q23.3.
Variant type: single nucleotide variant.
Coding change: c.149C>T on transcript NM_020693.4 (MANE Select); coding-DNA position 149, C replaced by T.
Protein change: p.Ala50Val; replaces alanine 50 with valine.
Molecular consequence: missense variant. On other transcripts: 5 prime UTR variant (1).
Genome position (GRCh38, 1-based): chr11:117,780,708, G>A on the plus strand (C>T on the coding strand, the complement: DSCAML1 is on the minus strand). VCF-style: chr11-117780708-G-A. GRCh37 (hg19) VCF-style: chr11-117651423-G-A.
Other names: c.149C>T, p.Ala50Val (NM_001367904.1); c.-260C>T (NM_001367905.1); short protein forms A50V.
Identifiers: ClinVar variation 2720291 (VCV002720291.3), dbSNP rs747042222, ClinGen allele CA6297643.